The following is an entry in ClinVar:

ClinVar aggregate classification (germline): Likely benign. Review status: criteria provided, multiple submitters, no conflicts (2 of 4 stars). 3 submissions from 3 submitters: Likely benign (3). Last evaluated 2025-01-30.

Conditions:
DNAH11-related disorder. Also called: DNAH11-related condition.
Primary ciliary dyskinesia. Also called: Ciliary dyskinesia. Identifiers: Orphanet 244, MedGen C0008780, MONDO:0016575, HP:0012265.

Allele frequency attached by ClinVar (database versions not stated): TOPMed below 0.00001; gnomAD 0.00001.
gnomAD v4.1: 4 of 1,610,744 alleles (0.00025%); highest among the groups gnomAD compares: Middle Eastern, 0.033%; 1 homozygote.

Submissions (3):

Labcorp Genetics (formerly Invitae), Labcorp
Classification: Likely benign for Primary ciliary dyskinesia. Last evaluated: 2025-01-30. Review status: criteria provided, single submitter. Criteria: Invitae Variant Classification Sherloc (09022015). Collection method: clinical testing. Allele origin: germline.

PreventionGenetics, part of Exact Sciences
Classification: Likely benign for DNAH11-related condition. Last evaluated: 2024-10-07. Review status: criteria provided, single submitter. Criteria: ACMG Guidelines, 2015. Collection method: clinical testing. Allele origin: germline.
Comment: This variant is classified as likely benign based on ACMG/AMP sequence variant interpretation guidelines (Richards et al. 2015 PMID: 25741868, with internal and published modifications).

CeGaT Center for Human Genetics Tuebingen
Classification: Likely benign. Last evaluated: 2023-04-01. Review status: criteria provided, single submitter. Criteria: CeGaT Center For Human Genetics Tuebingen Variant Classification Criteria Version 2. Collection method: clinical testing. Allele origin: germline. Affected: yes. Observed: 1 variant allele.
Comment: DNAH11: BP4, BP7

NM_001277115.2(DNAH11):c.5262A>G (p.Val1754=)

Gene: DNAH11 (dynein axonemal heavy chain 11; plus strand). Cytogenetic location: 7p15.3.
Variant type: single nucleotide variant.
Coding change: c.5262A>G on transcript NM_001277115.2 (MANE Select); coding-DNA position 5262, A replaced by G.
Protein change: p.Val1754=; no amino-acid change (valine 1754 retained).
Molecular consequence: synonymous variant.
Genome position (GRCh38, 1-based): chr7:21,658,965, A>G. VCF-style: chr7-21658965-A-G. GRCh37 (hg19) VCF-style: chr7-21698583-A-G.
Other names: c.5262A>G (NM_001277115.1); c.5277A>G, p.Val1759= (NM_003777.3).
Identifiers: ClinVar variation 2657344 (VCV002657344.28), dbSNP rs370864058, ClinGen allele CA155090808.